The following is an entry in ClinVar:

ClinVar aggregate classification (germline): Uncertain significance. Review status: criteria provided, multiple submitters, no conflicts (2 of 4 stars). 2 submissions from 2 submitters: Uncertain significance (2). Last evaluated 2024-08-21.

Conditions:
Tuberous sclerosis 1 (TSC1). Identifiers: Orphanet 805, MedGen C1854465, MONDO:0008612, OMIM 191100.
Hereditary cancer-predisposing syndrome. Also called: Hereditary Cancer Syndrome; Hereditary neoplastic syndrome; Neoplastic Syndromes, Hereditary; Tumor predisposition. Identifiers: Orphanet 140162, MedGen C0027672, MeSH D009386, MONDO:0015356.

gnomAD v4.1: 2 of 1,613,618 alleles (0.00012%); highest among the groups gnomAD compares: Non-Finnish European, 0.00017%; no homozygotes.

Submissions (2):

Labcorp Genetics (formerly Invitae), Labcorp
Classification: Uncertain significance for Tuberous sclerosis 1. Last evaluated: 2024-08-21. Review status: criteria provided, single submitter. Criteria: Invitae Variant Classification Sherloc (09022015). Collection method: clinical testing. Allele origin: germline.
Comment: This sequence change replaces tyrosine, which is neutral and polar, with phenylalanine, which is neutral and non-polar, at codon 704 of the TSC1 protein (p.Tyr704Phe). This variant is not present in population databases (gnomAD no frequency). This variant has not been reported in the literature in individuals affected with TSC1-related conditions. Invitae Evidence Modeling of protein sequence and biophysical properties (such as structural, functional, and spatial information, amino acid conservation, physicochemical variation, residue mobility, and thermodynamic stability) indicates that this missense variant is not expected to disrupt TSC1 protein function with a negative predictive value of 95%. In summary, the available evidence is currently insufficient to determine the role of this variant in disease. Therefore, it has been classified as a Variant of Uncertain Significance.

Ambry Genetics
Classification: Uncertain significance for Hereditary cancer-predisposing syndrome. Last evaluated: 2024-08-02. Review status: criteria provided, single submitter. Criteria: Ambry Variant Classification Scheme 2023. Collection method: clinical testing. Allele origin: germline.
Comment: The p.Y704F variant (also known as c.2111A>T), located in coding exon 15 of the TSC1 gene, results from an A to T substitution at nucleotide position 2111. The tyrosine at codon 704 is replaced by phenylalanine, an amino acid with highly similar properties. This amino acid position is highly conserved in available vertebrate species. In addition, the in silico prediction for this alteration is inconclusive. Based on the available evidence, the clinical significance of this variant remains unclear.

NM_000368.5(TSC1):c.2111A>T (p.Tyr704Phe)

Gene: TSC1 (TSC complex subunit 1; minus strand). Cytogenetic location: 9q34.13.
Variant type: single nucleotide variant.
Coding change: c.2111A>T on transcript NM_000368.5 (MANE Select); coding-DNA position 2111, A replaced by T.
Protein change: p.Tyr704Phe; replaces tyrosine 704 with phenylalanine.
Molecular consequence: missense variant. On other transcripts: non-coding transcript variant (4).
Genome position (GRCh38, 1-based): chr9:132,903,748, T>A on the plus strand (A>T on the coding strand, the complement: TSC1 is on the minus strand). VCF-style: chr9-132903748-T-A. GRCh37 (hg19) VCF-style: chr9-135779135-T-A.
Other names: c.2093A>T, p.Tyr698Phe (NM_001406604.1, NM_001406603.1); c.2111A>T, p.Tyr704Phe (NM_001406605.1, NM_001406606.1, NM_001406607.1 and 5 more transcripts); c.2108A>T, p.Tyr703Phe (NM_001406608.1, NM_001406609.1, NM_001162426.2 and 4 more transcripts); c.1958A>T, p.Tyr653Phe (NM_001406610.1, NM_001162427.2); c.1955A>T, p.Tyr652Phe (NM_001406611.1, NM_001406612.1, NM_001406613.1); c.1748A>T, p.Tyr583Phe (NM_001362177.2, NM_001406624.1, NM_001406614.1 and 5 more transcripts); c.2096A>T, p.Tyr699Phe (NM_001406601.1, NM_001406602.1); c.1745A>T, p.Tyr582Phe (NM_001406623.1, NM_001406625.1, NM_001406620.1 and 2 more transcripts); and 3 more; short protein forms Y386F, Y387F, Y698F, Y582F, Y583F, Y653F, Y704F, Y353F.
Identifiers: ClinVar variation 3462454 (VCV003462454.3).